The following is an entry in ClinVar:

ClinVar aggregate classification (germline): Pathogenic (1 of 4 stars; one submission).

Conditions:
Ataxia-telangiectasia syndrome (AT). Also called: Cerebello-oculocutaneous telangiectasia; Immunodeficiency with ataxia telangiectasia; ATAXIA-TELANGIECTASIA, FRESNO VARIANT; Ataxia-telangiectasia, complementation group D; Ataxia telangiectasia (A-T); LOUIS-BAR SYNDROME. Identifiers: Orphanet 100, MedGen C0004135, MONDO:0008840, OMIM 208900.

Submission:

Labcorp Genetics (formerly Invitae), Labcorp
Classification: Pathogenic for Ataxia-telangiectasia syndrome. Last evaluated: 2021-01-29. Review status: criteria provided, single submitter. Criteria: Invitae Variant Classification Sherloc (09022015). Collection method: clinical testing. Allele origin: germline.
Comment: For these reasons, this variant has been classified as Pathogenic. Loss-of-function variants in ATM are known to be pathogenic (PMID: 23807571, 25614872). This variant has not been reported in the literature in individuals with ATM-related conditions. This variant is not present in population databases (ExAC no frequency). This sequence change creates a premature translational stop signal (p.Ile678Leufs*25) in the ATM gene. It is expected to result in an absent or disrupted protein product.

Literature cited by the submitters: PubMed 23807571; PubMed 25614872.

NM_000051.4(ATM):c.2032del (p.Ile678fs)

Gene: ATM (ATM serine/threonine kinase; plus strand). Cytogenetic location: 11q22.3.
Variant type: Deletion.
Coding change: c.2032del on transcript NM_000051.4 (MANE Select); coding-DNA position 2032, one base deleted (A; older notation c.2032delA).
Protein change: p.Ile678fs; shifts the reading frame from isoleucine 678.
Molecular consequence: frameshift variant.
Genome position (GRCh38, 1-based): chr11:108,253,947, A deleted. VCF-style (leftmost placement, unchanged base first): chr11-108253946-TA-T. GRCh37 (hg19) VCF-style: chr11-108124673-TA-T.
Other names: c.2032del, p.Ile678fs (NM_001351834.2); short protein forms I678fs.
Identifiers: ClinVar variation 1074776 (VCV001074776.4), dbSNP rs2135369537, ClinGen allele CA2499220582.